The following is an entry in ClinVar:

NM_006393.3(NEBL):c.773A>G (p.Gln258Arg)

Gene: NEBL (nebulette; minus strand). Cytogenetic location: 10p12.31.
Variant type: single nucleotide variant.
Coding change: c.773A>G on transcript NM_006393.3 (MANE Select); coding-DNA position 773, A replaced by G.
Protein change: p.Gln258Arg; replaces glutamine 258 with arginine.
Molecular consequence: missense variant. On other transcripts: intron variant (9).
Genome position (GRCh38, 1-based): chr10:20,859,738, T>C on the plus strand (A>G on the coding strand, the complement: NEBL is on the minus strand). VCF-style: chr10-20859738-T-C. GRCh37 (hg19) VCF-style: chr10-21148667-T-C.
Other names: c.250-46798A>G (NM_001377326.1, NM_001377327.1, NM_001377328.1); c.358-46798A>G (NM_213569.2, NM_001173484.2, NM_001377322.1); c.301-46798A>G (NM_001377324.1); c.292-46798A>G (NM_001377325.1); c.310-46798A>G (NM_001377323.1); short protein forms Q258R.
Identifiers: ClinVar variation 957107 (VCV000957107.10), dbSNP rs924565857, ClinGen allele CA204194261.

ClinVar aggregate classification (germline): Uncertain significance (1 of 4 stars; one submission).

Conditions:
Primary dilated cardiomyopathy (DCM). Also called: Dilated Cardiomyopathy. Identifiers: Orphanet 217604, MedGen C0007193, MeSH D002311, MONDO:0005021, HP:0001644. Inheritance: Various modes of inheritance.

Allele frequency attached by ClinVar (database versions not stated): gnomAD exomes below 0.00001.
gnomAD v4.1: 3 of 1,599,766 alleles (0.00019%); highest among the groups gnomAD compares: East Asian, 0.0022%; no homozygotes.

Submission:

Labcorp Genetics (formerly Invitae), Labcorp
Classification: Uncertain significance for Primary dilated cardiomyopathy. Last evaluated: 2022-09-11. Review status: criteria provided, single submitter. Criteria: Invitae Variant Classification Sherloc (09022015). Collection method: clinical testing. Allele origin: germline.
Comment: This variant is not present in population databases (gnomAD no frequency). This variant has not been reported in the literature in individuals affected with NEBL-related conditions. This sequence change replaces glutamine, which is neutral and polar, with arginine, which is basic and polar, at codon 258 of the NEBL protein (p.Gln258Arg). In summary, the available evidence is currently insufficient to determine the role of this variant in disease. Therefore, it has been classified as a Variant of Uncertain Significance. Algorithms developed to predict the effect of missense changes on protein structure and function (SIFT, PolyPhen-2, Align-GVGD) all suggest that this variant is likely to be tolerated. ClinVar contains an entry for this variant (Variation ID: 957107).